The following is an entry in ClinVar:

NM_001231.5(CASQ1):c.731A>G (p.Asp244Gly)

Gene: CASQ1 (calsequestrin 1; plus strand). Cytogenetic location: 1q23.2.
Variant type: single nucleotide variant.
Coding change: c.731A>G on transcript NM_001231.5 (MANE Select); coding-DNA position 731, A replaced by G.
Protein change: p.Asp244Gly; replaces aspartic acid 244 with glycine.
Molecular consequence: missense variant.
Genome position (GRCh38, 1-based): chr1:160,195,976, A>G. VCF-style: chr1-160195976-A-G. GRCh37 (hg19) VCF-style: chr1-160165766-A-G.
Other names: short protein forms D244G.
Identifiers: ClinVar variation 183021 (VCV000183021.10), dbSNP rs730882052, ClinGen allele CA185986.
Genomic context (GRCh38, chr1:160,195,976, plus strand): 5'-TGAAGCTGAATGAGATTGATTTCTACGAGGCCTTCATGGAAGAGCCTGTGACCATCCCAG[A>G]CAAGCCCAATAGCGAAGAGGAGATTGTCAACTTCGTGGAGGAGCACAGGAGGTGGGGACC-3'
Protein context (NP_001222.3, residues 234-254): AFMEEPVTIP[Asp244Gly]KPNSEEEIVN

ClinVar aggregate classification (germline): Pathogenic. Review status: criteria provided, multiple submitters, no conflicts (2 of 4 stars). 4 submissions from 4 submitters: Pathogenic (2). 2 of the submissions do not count toward it. Last evaluated 2026-02-01.

Conditions:
Myopathy due to calsequestrin and SERCA1 protein overload. Also called: Myopathy, vacuolar, with casq1 aggregates. Identifiers: Orphanet 88635, MedGen C4015624, MONDO:0014546, OMIM 616231.

Submissions (4):

Dasa
Classification: Pathogenic. Last evaluated: 2026-02-01. Review status: criteria provided, single submitter. Criteria: DASA Assertion Criteria. Collection method: clinical testing. Allele origin: germline.
Comment: NM_001231.5(CASQ1):c.731A>G (p.Asp244Gly) is a missense variant that results in the substitution of aspartic acid with glycine. Functional evidence supports a deleterious effect on the gene or gene product (PMID: 26136523; PMID: 25116801; PMID: 30258016; PMID: 33786938; PMID: 39825153). This variant has been recurrently observed in individuals with related phenotype (PMID: 26136523; PMID: 25116801; PMID: 30258016; PMID: 33786938; PMID: 39825153). Segregation evidence has been reported in affected families. Multiple computational predictions support a deleterious effect on the gene or gene product. Based on the available data, this variant is classified as pathogenic.

Labcorp Genetics (formerly Invitae), Labcorp
Classification: Pathogenic. Last evaluated: 2022-06-20. Review status: criteria provided, single submitter. Criteria: Invitae Variant Classification Sherloc (09022015). Collection method: clinical testing. Allele origin: germline.
Comment: For these reasons, this variant has been classified as Pathogenic. Experimental studies have shown that this missense change affects CASQ1 function (PMID: 25116801, 26416891). Algorithms developed to predict the effect of missense changes on protein structure and function (SIFT, PolyPhen-2, Align-GVGD) all suggest that this variant is likely to be tolerated. ClinVar contains an entry for this variant (Variation ID: 183021). This missense change has been observed in individuals with CASQ1-related myopathy (PMID: 25116801). This variant is not present in population databases (gnomAD no frequency). This sequence change replaces aspartic acid, which is acidic and polar, with glycine, which is neutral and non-polar, at codon 244 of the CASQ1 protein (p.Asp244Gly).

Solve-RD Consortium
Classification: Likely pathogenic for Myopathy due to calsequestrin and SERCA1 protein overload. Last evaluated: 2022-06-01. Review status: no assertion criteria provided. Collection method: provider interpretation. Allele origin: inherited. Affected: yes. Not counted in ClinVar's aggregate classification.
Comment: Variant confirmed as disease-causing by referring clinical team

Variant identified during reanalysis of unsolved cases by the Solve-RD project. The Solve-RD project has received funding from the European Union’s Horizon 2020 research and innovation programme under grant agreement No 779257.

OMIM
Classification: Pathogenic for MYOPATHY, VACUOLAR, WITH CASQ1 AGGREGATES. Last evaluated: 2014-10-01. Review status: no assertion criteria provided. Collection method: literature only. Allele origin: germline. Not counted in ClinVar's aggregate classification.

Literature cited by the submitters: PubMed 26136523 (cited by Dasa and OMIM); PubMed 25116801 (cited by 3 submitters); PubMed 30258016 (cited by Dasa); PubMed 33786938 (cited by Dasa); PubMed 39825153 (cited by Dasa and Solve-RD Consortium); PubMed 27196359 (cited by Dasa); PubMed 26416891 (cited by Dasa and Labcorp Genetics (formerly Invitae), Labcorp); PubMed 16714317 (cited by OMIM).